The following is an entry in ClinVar:

ClinVar aggregate classification (germline): Likely benign (0 of 4 stars; one submission).

Conditions:
TRPC5-related disorder. Also called: TRPC5-related condition.

gnomAD v4.1: 11 of 1,196,659 alleles (0.00092%); highest among the groups gnomAD compares: African/African-American, 0.011%; no homozygotes.

Submission:

PreventionGenetics, part of Exact Sciences
Classification: Likely benign for TRPC5-related condition. Last evaluated: 2021-06-03. Review status: no assertion criteria provided. Collection method: clinical testing. Allele origin: germline.
Comment: This variant is classified as likely benign based on ACMG/AMP sequence variant interpretation guidelines (Richards et al. 2015 PMID: 25741868, with internal and published modifications).

NM_012471.3(TRPC5):c.2316T>C (p.Thr772=)

Gene: TRPC5 (transient receptor potential cation channel subfamily C member 5; minus strand). Cytogenetic location: Xq23.
Variant type: single nucleotide variant.
Coding change: c.2316T>C on transcript NM_012471.3 (MANE Select); coding-DNA position 2316, T replaced by C.
Protein change: p.Thr772=; no amino-acid change (threonine 772 retained).
Molecular consequence: synonymous variant.
Genome position (GRCh38, 1-based): chrX:111,776,919, A>G on the plus strand (T>C on the coding strand, the complement: TRPC5 is on the minus strand). VCF-style: chrX-111776919-A-G. GRCh37 (hg19) VCF-style: chrX-111020147-A-G.
Identifiers: ClinVar variation 3357974 (VCV003357974.1).
Genomic context (GRCh38, chrX:111,776,919, plus strand): 5'-GGCCCGAGCCCCACCACTGCCATCATTATTATCGTCTCTCTGAGACAGTTCAGTGCTGCT[A>G]GTGGAAAAGCTCCTTGGATGTTTTCTATTTCCCAAGAGGTCAAGCACTTCATACCGAAAG-3'
Protein context (NP_036603.1, residues 762-782): GNRKHPRSFS[Thr772=]SSTELSQRDD